The following is an entry in ClinVar:

ClinVar aggregate classification (germline): Likely benign (0 of 4 stars; one submission).

Conditions:
KCTD18-related disorder. Also called: KCTD18-related condition.

Allele frequency attached by ClinVar (database versions not stated): ESP Exome Variant Server 0.00031; TOPMed 0.00046; gnomAD 0.00084; ExAC 0.00102; gnomAD exomes 0.00105.
gnomAD v4.1: 1,628 of 1,607,970 alleles (0.1%); highest among the groups gnomAD compares: Non-Finnish European, 0.11%; 4 homozygotes.

Submission:

PreventionGenetics, part of Exact Sciences
Classification: Likely benign for KCTD18-related condition. Last evaluated: 2019-06-17. Review status: no assertion criteria provided. Collection method: clinical testing. Allele origin: germline.
Comment: This variant is classified as likely benign based on ACMG/AMP sequence variant interpretation guidelines (Richards et al. 2015 PMID: 25741868, with internal and published modifications).

NM_152387.4(KCTD18):c.647C>G (p.Ala216Gly)

Gene: KCTD18 (potassium channel tetramerization domain containing 18; minus strand). Cytogenetic location: 2q33.1.
Variant type: single nucleotide variant.
Coding change: c.647C>G on transcript NM_152387.4 (MANE Select); coding-DNA position 647, C replaced by G.
Protein change: p.Ala216Gly; replaces alanine 216 with glycine.
Molecular consequence: missense variant.
Genome position (GRCh38, 1-based): chr2:200,497,767, G>C on the plus strand (C>G on the coding strand, the complement: KCTD18 is on the minus strand). VCF-style: chr2-200497767-G-C. GRCh37 (hg19) VCF-style: chr2-201362490-G-C.
Other names: c.647C>G, p.Ala216Gly (NM_001321547.2); c.20C>G, p.Ala7Gly (NM_001321548.2, NM_001321550.2); short protein forms A216G, A7G.
Identifiers: ClinVar variation 3033135 (VCV003033135.2), dbSNP rs148937801, ClinGen allele CA2047673.